The following is an entry in ClinVar:

NM_002457.5(MUC2):c.12261T>C (p.Thr4087=)

Gene: MUC2 (mucin 2, oligomeric mucus/gel-forming; plus strand). Cytogenetic location: 11p15.5.
Variant type: single nucleotide variant.
Coding change: c.12261T>C on transcript NM_002457.5 (MANE Select); coding-DNA position 12261, T replaced by C.
Protein change: p.Thr4087=; no amino-acid change (threonine 4087 retained).
Molecular consequence: synonymous variant.
Genome position (GRCh38, 1-based): chr11:1,099,595, T>C. VCF-style: chr11-1099595-T-C. GRCh37 (hg19) VCF-style: chr11-1093503-T-C.
Identifiers: ClinVar variation 2641144 (VCV002641144.24), dbSNP rs760287816, ClinGen allele CA5800197.

ClinVar aggregate classification (germline): Likely benign (1 of 4 stars; one submission).

Allele frequency attached by ClinVar (database versions not stated): gnomAD exomes 0.00055; ExAC 0.01154.

Submission:

CeGaT Center for Human Genetics Tuebingen
Classification: Likely benign. Last evaluated: 2023-10-01. Review status: criteria provided, single submitter. Criteria: CeGaT Center For Human Genetics Tuebingen Variant Classification Criteria Version 2. Collection method: clinical testing. Allele origin: germline. Affected: yes. Observed: 1 variant allele.
Comment: MUC2: BP4, BP7